The following is an entry in ClinVar:

ClinVar aggregate classification (germline): Uncertain significance (1 of 4 stars; one submission).

Conditions:
Gastrointestinal stromal tumor. Also called: Gastrointestinal stroma tumor; Gastrointestinal stromal tumor, somatic. Identifiers: Orphanet 44890, MedGen C0238198, MeSH D046152, MONDO:0011719, OMIM 606764, HP:0100723.

Submission:

Labcorp Genetics (formerly Invitae), Labcorp
Classification: Uncertain significance for Gastrointestinal stromal tumor. Last evaluated: 2022-07-28. Review status: criteria provided, single submitter. Criteria: Invitae Variant Classification Sherloc (09022015). Collection method: clinical testing. Allele origin: germline.
Comment: This variant is not present in population databases (gnomAD no frequency). In summary, the available evidence is currently insufficient to determine the role of this variant in disease. Therefore, it has been classified as a Variant of Uncertain Significance. This variant has not been reported in the literature in individuals affected with PDGFRA-related conditions. This sequence change creates a premature translational stop signal (p.Glu777Serfs*8) in the PDGFRA gene. It is expected to result in an absent or disrupted protein product. However, the current clinical and genetic evidence is not sufficient to establish whether loss-of-function variants in PDGFRA cause disease.

NM_006206.6(PDGFRA):c.2329_2330del (p.Glu777fs)

Gene: PDGFRA (platelet derived growth factor receptor alpha; plus strand). Cytogenetic location: 4q12.
Variant type: Deletion.
Coding change: c.2329_2330del on transcript NM_006206.6 (MANE Select); coding-DNA positions 2329 to 2330, 2 bases deleted (GA; older notation c.2329_2330delGA).
Protein change: p.Glu777fs; shifts the reading frame from glutamic acid 777.
Molecular consequence: frameshift variant.
Genome position (GRCh38, 1-based): chr4:54,285,376-54,285,377, GA deleted; deleting any 2 consecutive bases within chr4:54,285,375-54,285,377 gives the same sequence; the c. name uses the placement nearest the transcript's 3' end. VCF-style (leftmost placement, unchanged base first): chr4-54285374-CAG-C. GRCh37 (hg19) VCF-style: chr4-55151541-CAG-C.
Other names: c.2404_2405del, p.Glu802fs (NM_001347828.2); c.2329_2330del, p.Glu777fs (NM_001347829.2); c.2368_2369del, p.Glu790fs (NM_001347830.2); short protein forms E790fs, E777fs, E802fs.
Identifiers: ClinVar variation 2020063 (VCV002020063.4), dbSNP rs2475545538, ClinGen allele CA2580071095.